The following continues an entry in ClinVar:

NM_000218.3(KCNQ1):c.817C>T (p.Leu273Phe)

Gene: KCNQ1. ClinVar aggregate classification (germline): Likely pathogenic. Likely pathogenic (1).

Submissions 10 to 13 of 13:

GeneDx
Classification: Pathogenic. Last evaluated: 2022-04-14. Review status: criteria provided, single submitter. Criteria: GeneDx Variant Classification Process June 2021. Collection method: clinical testing. Allele origin: germline. Affected: yes. Not counted in ClinVar's aggregate classification.
Comment: Published functional studies demonstrate a damaging effect as this variant significantly alters potassium ion channel function (Shalaby et al., 1997; Seebohm et al., 2001; Peretz 2002; Gibor et al., 2007); In silico analysis supports that this missense variant has a deleterious effect on protein structure/function; Not observed at significant frequency in large population cohorts (gnomAD); This variant is associated with the following publications: (PMID: 28438721, 27064559, 15840476, 11216980, 11278406, 17704175, 12482884, 11530100, 15935335, 21964171, 8528244, 24372464, 25645639, 22949429, 28249770, 10973849, 14678125, 16922724, 17470695, 19716085, 15649981, 22581653, 19841300, 31737537, 26582918, 9323054, 33087929, 27535533)

deCODE genetics, Amgen
Classification: Pathogenic for Long QT syndrome 1. Last evaluated: 2023-07-21. Review status: no assertion criteria provided. Collection method: research. Allele origin: germline. Affected: yes. Observed: 120 variant alleles. Not counted in ClinVar's aggregate classification.
Comment: The variant NM_000218.3:c.817C>T (chr11:2572882) in KCNQ1 was detected in 40 heterozygotes out of 58K WGS Icelanders (MAF= 0,034%). Following imputation in a set of 166K Icelanders (120 imputed heterozygotes) we observed an association with an elongation of the qt interval on ECG using measurements from 80068 individuals (Effect (SD)= 1.71, P= 1.67e-35) and sudden cardiac death using 4784 cases and 358521 controls (OR= 3.17, P= 5.78e-03). This variant has been reported in ClinVar previously as pathogenic. Based on ACMG criteria (PS4, PM1, PP3, PP5_Strong) this variant classifies as pathogenic.

OMIM
Classification: Pathogenic for LONG QT SYNDROME 1. Last evaluated: 1996-01-01. Review status: no assertion criteria provided. Collection method: literature only. Allele origin: germline. Not counted in ClinVar's aggregate classification.

Cardiovascular Biomedical Research Unit, Royal Brompton & Harefield NHS Foundation Trust
No classification provided. Condition: Familial long QT syndrome. Review status: no classification provided. Collection method: literature only. Allele origin: germline. Not counted in ClinVar's aggregate classification.
Comment: This variant has been reported as associated with Long QT syndrome in the following publications (PMID:8528244;PMID:9323054;PMID:10973849;PMID:11216980;PMID:14678125;PMID:15840476;PMID:16922724;PMID:16937190;PMID:19716085;PMID:19841300;PMID:17470695;PMID:15935335;PMID:11278406). This is a literature report, and does not necessarily reflect the clinical interpretation of the Imperial College / Royal Brompton Cardiovascular Genetics laboratory.

Literature cited by the submitters: PubMed 11278406 (cited by 6 submitters); PubMed 8528244 (cited by 6 submitters); PubMed 10973849 (cited by 4 submitters); PubMed 16922724 (cited by 3 submitters); PubMed 22949429 (cited by Labcorp Genetics (formerly Invitae), Labcorp and Mayo Clinic Laboratories, Mayo Clinic); PubMed 24372464 (cited by 3 submitters); PubMed 24606995 (cited by Labcorp Genetics (formerly Invitae), Labcorp and Mayo Clinic Laboratories, Mayo Clinic); PubMed 25645639 (cited by 3 submitters); PubMed 28249770 (cited by 4 submitters); PubMed 9323054 (cited by 4 submitters); PubMed 15935335 (cited by 4 submitters); PubMed 14678125 (cited by Mayo Clinic Laboratories, Mayo Clinic and Cardiovascular Biomedical Research Unit, Royal Brompton & Harefield NHS Foundation Trust); PubMed 17470695 (cited by Mayo Clinic Laboratories, Mayo Clinic and Cardiovascular Biomedical Research Unit, Royal Brompton & Harefield NHS Foundation Trust); PubMed 19716085 (cited by 3 submitters); PubMed 19841300 (cited by Mayo Clinic Laboratories, Mayo Clinic and Cardiovascular Biomedical Research Unit, Royal Brompton & Harefield NHS Foundation Trust); PubMed 29167462 (cited by Mayo Clinic Laboratories, Mayo Clinic and Ambry Genetics); PubMed 29451064 (cited by Mayo Clinic Laboratories, Mayo Clinic and Ambry Genetics); PubMed 31737537 (cited by Mayo Clinic Laboratories, Mayo Clinic); PubMed 15851171 (cited by Ambry Genetics); PubMed 27920829 (cited by Women's Health and Genetics/Laboratory Corporation of America, LabCorp); PubMed 11216980 (cited by Cardiovascular Biomedical Research Unit, Royal Brompton & Harefield NHS Foundation Trust); PubMed 15840476 (cited by Cardiovascular Biomedical Research Unit, Royal Brompton & Harefield NHS Foundation Trust); PubMed 16937190 (cited by Cardiovascular Biomedical Research Unit, Royal Brompton & Harefield NHS Foundation Trust); PubMed 22581653 (cited by Cardiovascular Biomedical Research Unit, Royal Brompton & Harefield NHS Foundation Trust).